The following is an entry in ClinVar:

NM_001166108.2(PALLD):c.*161C>G

Genes: CBR4 (carbonyl reductase 4; minus strand), PALLD (palladin, cytoskeletal associated protein; plus strand). Cytogenetic location: 4q32.3.
Variant type: single nucleotide variant.
Coding change: c.*161C>G on transcript NM_001166108.2 (MANE Select); 161 bases downstream of the stop codon, C replaced by G.
Molecular consequence: 3 prime UTR variant. On other transcripts: missense variant (4).
Genome position (GRCh38, 1-based): chr4:168,926,341, C>G. VCF-style: chr4-168926341-C-G. GRCh37 (hg19) VCF-style: chr4-169847492-C-G.
Other names: c.2290C>G, p.His764Asp (NM_001166109.2); c.1975C>G, p.His659Asp (NM_001166110.2); c.*161C>G (NM_001367567.1, NM_001367570.1, NM_016081.4); c.1366C>G, p.His456Asp (NM_001367568.1); c.1315C>G, p.His439Asp (NM_001367569.1); short protein forms H764D, H439D, H456D, H659D.
Identifiers: ClinVar variation 4130455 (VCV004130455.1).

ClinVar aggregate classification (germline): Uncertain significance (1 of 4 stars; one submission).

Submission:

Ambry Genetics
Classification: Uncertain significance. Last evaluated: 2025-09-04. Review status: criteria provided, single submitter. Criteria: Ambry Variant Classification Scheme 2023. Collection method: clinical testing. Allele origin: germline.
Comment: The p.H659D variant (also known as c.1975C>G), located in coding exon 11 of the PALLD gene, results from a C to G substitution at nucleotide position 1975. The histidine at codon 659 is replaced by aspartic acid, an amino acid with similar properties. This amino acid position is conserved. In addition, this alteration is predicted to be tolerated by in silico analysis. Based on the available evidence, the clinical significance of this variant remains unclear.